The following is an entry in ClinVar:

ClinVar aggregate classification (germline): Pathogenic/Likely pathogenic. Review status: criteria provided, multiple submitters, no conflicts (2 of 4 stars). 4 submissions from 4 submitters: Pathogenic (2); Likely pathogenic (2). Last evaluated 2025-02-10.

Conditions:
Bardet-Biedl syndrome 2 (BBS2). Identifiers: Orphanet 110, MedGen C2936863, MONDO:0014432, OMIM 615981.
Bardet-Biedl syndrome (BBS). Identifiers: Orphanet 110, MedGen C0752166, MONDO:0015229.

Submissions (4):

Natera, Inc.
Classification: Likely pathogenic for Bardet-Biedl syndrome type 2. Last evaluated: 2025-02-10. Review status: criteria provided, single submitter. Criteria: Natera Variant Classification Schema (03/2026). Collection method: clinical testing. Allele origin: germline.
Comment: The c.1843dupG variant in BBS2 is a frameshift variant predicted to shift the reading frame beginning at codon 615 and leads to a stop codon 2 codons downstream. This variant is expected to result in nonsense mediated decay, truncation, or a dysfunctional protein product. This variant is rare in the general population with a frequency below the threshold expected for the associated phenotype(s). Given the available evidence, this variant is classified as Likely Pathogenic.

GeneDx
Classification: Pathogenic. Last evaluated: 2025-01-27. Review status: criteria provided, single submitter. Criteria: GeneDx Variant Classification Process June 2021. Collection method: clinical testing. Allele origin: germline. Affected: yes.
Comment: Frameshift variant predicted to result in protein truncation or nonsense mediated decay in a gene for which loss of function is a known mechanism of disease; Not observed at significant frequency in large population cohorts (gnomAD); Has not been previously published as pathogenic or benign in association with a BBS2-related phenotype to our knowledge; This variant is associated with the following publications: (PMID: 31964843)

Labcorp Genetics (formerly Invitae), Labcorp
Classification: Pathogenic for Bardet-Biedl syndrome. Last evaluated: 2024-03-12. Review status: criteria provided, single submitter. Criteria: Invitae Variant Classification Sherloc (09022015). Collection method: clinical testing. Allele origin: germline.
Comment: This sequence change creates a premature translational stop signal (p.Ala615Glyfs*2) in the BBS2 gene. It is expected to result in an absent or disrupted protein product. Loss-of-function variants in BBS2 are known to be pathogenic (PMID: 11285252, 20177705, 24608809, 26518167). This variant is present in population databases (no rsID available, gnomAD 0.0009%). This variant has not been reported in the literature in individuals affected with BBS2-related conditions. ClinVar contains an entry for this variant (Variation ID: 838085). For these reasons, this variant has been classified as Pathogenic.

Baylor Genetics
Classification: Likely pathogenic for Bardet-Biedl syndrome 2. Last evaluated: 2024-02-17. Review status: criteria provided, single submitter. Criteria: ACMG Guidelines, 2015. Collection method: clinical testing. Allele origin: unknown.

Literature cited by the submitters: PubMed 11285252 (cited by Labcorp Genetics (formerly Invitae), Labcorp); PubMed 20177705 (cited by Labcorp Genetics (formerly Invitae), Labcorp); PubMed 24608809 (cited by Labcorp Genetics (formerly Invitae), Labcorp); PubMed 26518167 (cited by Labcorp Genetics (formerly Invitae), Labcorp).

NM_031885.5(BBS2):c.1843dup (p.Ala615fs)

Gene: BBS2 (Bardet-Biedl syndrome 2; minus strand). Cytogenetic location: 16q13.
Variant type: Duplication.
Coding change: c.1843dup on transcript NM_031885.5 (MANE Select); coding-DNA position 1843, one base duplicated (G; older notation c.1843dupG).
Protein change: p.Ala615fs; shifts the reading frame from alanine 615.
Molecular consequence: frameshift variant. On other transcripts: non-coding transcript variant (5).
Genome position (GRCh38, 1-based): chr16:56,497,034, C duplicated on the plus strand (G on the coding strand, the reverse complement: BBS2 is on the minus strand); the first of 2 consecutive C bases (chr16:56,497,034-56,497,035); duplicating either gives the same sequence. VCF-style (leftmost placement, unchanged base first): chr16-56497033-G-GC. GRCh37 (hg19) VCF-style: chr16-56530945-G-GC.
Other names: c.1843dup, p.Ala615fs (NM_001377456.1); c.1843dupG (NM_031885.3); short protein forms A615fs.
Identifiers: ClinVar variation 838085 (VCV000838085.10), dbSNP rs1199538371, ClinGen allele CA622308921.